The following is an entry in ClinVar:

ClinVar aggregate classification (germline): Likely benign (1 of 4 stars; one submission).

Allele frequency attached by ClinVar (database versions not stated): ExAC 0.00001; gnomAD 0.00006.

Submission:

CeGaT Center for Human Genetics Tuebingen
Classification: Likely benign. Last evaluated: 2022-05-01. Review status: criteria provided, single submitter. Criteria: CeGaT Center For Human Genetics Tuebingen Variant Classification Criteria Version 2. Collection method: clinical testing. Allele origin: germline. Affected: yes. Observed: 1 variant allele.
Comment: ABCC10: BP4, BP7

NM_001198934.2(ABCC10):c.2682C>G (p.Leu894=)

Gene: ABCC10 (ATP binding cassette subfamily C member 10; plus strand). Cytogenetic location: 6p21.1.
Variant type: single nucleotide variant.
Coding change: c.2682C>G on transcript NM_001198934.2 (MANE Select); coding-DNA position 2682, C replaced by G.
Protein change: p.Leu894=; no amino-acid change (leucine 894 retained).
Molecular consequence: synonymous variant. On other transcripts: non-coding transcript variant (1).
Genome position (GRCh38, 1-based): chr6:43,444,346, C>G. VCF-style: chr6-43444346-C-G. GRCh37 (hg19) VCF-style: chr6-43412084-C-G.
Other names: c.1350C>G, p.Leu450= (NM_001350518.2); c.2598C>G, p.Leu866= (NM_033450.3).
Identifiers: ClinVar variation 2656600 (VCV002656600.24), dbSNP rs773004616, ClinGen allele CA3823146.